The following is an entry in ClinVar:

ClinVar aggregate classification (germline): Likely benign. Review status: criteria provided, multiple submitters, no conflicts (2 of 4 stars). 2 submissions from 2 submitters: Likely benign (2). Last evaluated 2024-09-26.

Conditions:
Familial melanoma. Also called: Hereditary melanoma; Hereditary cutaneous melanoma. Identifiers: Orphanet 618, MedGen C1512419, MONDO:0018961.
Melanoma, cutaneous malignant, susceptibility to, 3. Also called: Cutaneous malignant melanoma 3. Identifiers: Orphanet 618, MedGen C1836892, MONDO:0012183, OMIM 609048.

Allele frequency attached by ClinVar (database versions not stated): gnomAD exomes below 0.00001.
gnomAD v4.1: 1 of 1,613,812 alleles (0.000062%); highest among the groups gnomAD compares: South Asian, 0.0011%; no homozygotes.

Submissions (2):

Myriad Genetics, Inc.
Classification: Likely benign for Melanoma, cutaneous malignant, susceptibility to, 3. Last evaluated: 2024-09-26. Review status: criteria provided, single submitter. Criteria: Myriad Autosomal Dominant, Autosomal Recessive and X-Linked Classification Criteria (2023). Collection method: clinical testing. Allele origin: unknown.
Comment: This variant is considered likely benign. This variant is intronic and is not expected to impact mRNA splicing.

Labcorp Genetics (formerly Invitae), Labcorp
Classification: Likely benign for Familial melanoma. Last evaluated: 2023-10-18. Review status: criteria provided, single submitter. Criteria: Invitae Variant Classification Sherloc (09022015). Collection method: clinical testing. Allele origin: germline.

NM_000075.4(CDK4):c.633-10C>T

Genes: CDK4 (cyclin dependent kinase 4; minus strand), TSPAN31 (tetraspanin 31; plus strand). Cytogenetic location: 12q14.1.
Variant type: single nucleotide variant.
Coding change: c.633-10C>T on transcript NM_000075.4 (MANE Select); 10 bases into the intron before coding-DNA position 633, C replaced by T.
Molecular consequence: intron variant. On other transcripts: 3 prime UTR variant (3).
Genome position (GRCh38, 1-based): chr12:57,749,514, G>A on the plus strand (C>T on the coding strand, the complement: CDK4 is on the minus strand). VCF-style: chr12-57749514-G-A. GRCh37 (hg19) VCF-style: chr12-58143297-G-A.
Other names: c.*2224G>A (NM_001330168.2, NM_001330169.2, NM_005981.5).
Identifiers: ClinVar variation 2889610 (VCV002889610.4), dbSNP rs1555201136, ClinGen allele CA2619493089.